The following is an entry in ClinVar:

NM_001231.5(CASQ1):c.516G>A (p.Ala172=)

Gene: CASQ1 (calsequestrin 1; plus strand). Cytogenetic location: 1q23.2.
Variant type: single nucleotide variant.
Coding change: c.516G>A on transcript NM_001231.5 (MANE Select); coding-DNA position 516, G replaced by A.
Protein change: p.Ala172=; no amino-acid change (alanine 172 retained).
Molecular consequence: synonymous variant.
Genome position (GRCh38, 1-based): chr1:160,195,062, G>A. VCF-style: chr1-160195062-G-A. GRCh37 (hg19) VCF-style: chr1-160164852-G-A.
Identifiers: ClinVar variation 725061 (VCV000725061.36), dbSNP rs55804336, ClinGen allele CA1196223.

ClinVar aggregate classification (germline): Benign/Likely benign. Review status: criteria provided, multiple submitters, no conflicts (2 of 4 stars). 6 submissions from 6 submitters: Benign (2); Likely benign (3). 1 of the submissions does not count toward it. Last evaluated 2026-01-04.

Conditions:
CASQ1-related disorder. Also called: CASQ1-related condition.
Inborn genetic diseases. Identifiers: MedGen C0950123, MeSH D030342.

Allele frequency attached by ClinVar (database versions not stated): 1000 Genomes Project 30x 0.00031; 1000 Genomes Project 0.00040; gnomAD 0.00054; TOPMed 0.00054; ExAC 0.00057; ESP Exome Variant Server 0.00115.
gnomAD v4.1: 1,665 of 1,613,358 alleles (0.1%); highest among the groups gnomAD compares: Non-Finnish European, 0.13%; 1 homozygote.

Submissions (6):

Labcorp Genetics (formerly Invitae), Labcorp
Classification: Benign. Last evaluated: 2026-01-04. Review status: criteria provided, single submitter. Criteria: Invitae Variant Classification Sherloc (09022015). Collection method: clinical testing. Allele origin: germline.

Blueprint Genetics
Classification: Likely benign. Last evaluated: 2024-08-14. Review status: criteria provided, single submitter. Criteria: ACMG Guidelines, 2015. Collection method: clinical testing. Allele origin: germline.

Ambry Genetics
Classification: Likely benign for Inborn genetic diseases. Last evaluated: 2022-08-07. Review status: criteria provided, single submitter. Criteria: Ambry Variant Classification Scheme 2023. Collection method: clinical testing. Allele origin: germline.

CeGaT Center for Human Genetics Tuebingen
Classification: Likely benign. Last evaluated: 2022-06-01. Review status: criteria provided, single submitter. Criteria: CeGaT Center For Human Genetics Tuebingen Variant Classification Criteria Version 2. Collection method: clinical testing. Allele origin: germline. Affected: yes. Observed: 1 variant allele.
Comment: CASQ1: BP4, BP7

Breakthrough Genomics
Classification: Benign. Review status: criteria provided, single submitter. Criteria: ACMG Guidelines, 2015. Collection method: not provided. Allele origin: germline. Inheritance: Autosomal dominant inheritance. Affected: yes.

PreventionGenetics, part of Exact Sciences
Classification: Likely benign for CASQ1-related condition. Last evaluated: 2024-06-24. Review status: no assertion criteria provided. Collection method: clinical testing. Allele origin: germline. Not counted in ClinVar's aggregate classification.
Comment: This variant is classified as likely benign based on ACMG/AMP sequence variant interpretation guidelines (Richards et al. 2015 PMID: 25741868, with internal and published modifications).